The following is an entry in ClinVar:

ClinVar aggregate classification (germline): Pathogenic (0 of 4 stars; one submission).

Conditions:
Autosomal recessive nonsyndromic hearing loss 7. Also called: DEAFNESS, AUTOSOMAL RECESSIVE 11. Identifiers: Orphanet 90636, MedGen C1832978, MONDO:0010967, OMIM 600974.

gnomAD v4.1: 2 of 1,614,094 alleles (0.00012%); highest among the groups gnomAD compares: African/African-American, 0.0013%; no homozygotes.

Submission:

Hereditary Research Laboratory, Bethlehem University
Classification: Pathogenic for Autosomal recessive nonsyndromic hearing loss 7. Last evaluated: 2016-06-04. Review status: no assertion criteria provided. Collection method: research. Allele origin: germline. Affected: yes.
Comment: FA3 moderate HL at 6y; FA4 profound at 18m

NM_138691.3(TMC1):c.1532C>T (p.Pro511Leu)

Gene: TMC1 (transmembrane channel like 1; plus strand). Cytogenetic location: 9q21.13.
Variant type: single nucleotide variant.
Coding change: c.1532C>T on transcript NM_138691.3 (MANE Select); coding-DNA position 1532, C replaced by T.
Protein change: p.Pro511Leu; replaces proline 511 with leucine.
Molecular consequence: missense variant.
Genome position (GRCh38, 1-based): chr9:72,792,318, C>T. VCF-style: chr9-72792318-C-T. GRCh37 (hg19) VCF-style: chr9-75407234-C-T.
Other names: short protein forms P511L.
Identifiers: ClinVar variation 402278 (VCV000402278.1), dbSNP rs727503483, ClinGen allele CA16609566.